The following is an entry in ClinVar:

NM_000062.3(SERPING1):c.1238T>G (p.Met413Arg)

Gene: SERPING1 (serpin family G member 1; plus strand). Cytogenetic location: 11q12.1.
Variant type: single nucleotide variant.
Coding change: c.1238T>G on transcript NM_000062.3 (MANE Select); coding-DNA position 1238, T replaced by G.
Protein change: p.Met413Arg; replaces methionine 413 with arginine.
Molecular consequence: missense variant.
Genome position (GRCh38, 1-based): chr11:57,611,925, T>G. VCF-style: chr11-57611925-T-G. GRCh37 (hg19) VCF-style: chr11-57379398-T-G.
Other names: c.1238T>G, p.Met413Arg (NM_001032295.2); short protein forms M413R.
Identifiers: ClinVar variation 3340470 (VCV003340470.2).

ClinVar aggregate classification (germline): Likely pathogenic (1 of 4 stars; one submission).

Conditions:
Hereditary angioedema type 1 (HAE1). Identifiers: Orphanet 100050, Orphanet 100051, Orphanet 91378, MedGen C2717906, MONDO:0015053, OMIM 106100.

Submission:

School of Medicine and Health Sciences, Universidad del Rosario
Classification: Likely pathogenic for Hereditary angioedema type 1. Last evaluated: 2024-09-09. Review status: criteria provided, single submitter. Criteria: ACMG Guidelines, 2015. Collection method: clinical testing. Allele origin: germline. Inheritance: Autosomal dominant inheritance. Affected: yes. Observed: 1 heterozygote.
Comment: The SERPING1 variant: c.1238T>G has not been previously reported. It is located in a mutational hotspot (PM1). This variant is new, not reported in population databases such as GnomAD (PM2). Multiple lines of computational evidence support a deleterious effect on the gene product, REVEL 0.77 and alphamissense 0.71 (PP3). The patient's phenotype and family history are highly specific for Hereditary Angioedema type 1 (PP4).